The following is an entry in ClinVar:

NM_001145809.2(MYH14):c.838G>A (p.Val280Ile)

Gene: MYH14 (myosin heavy chain 14; plus strand). Cytogenetic location: 19q13.33.
Variant type: single nucleotide variant.
Coding change: c.838G>A on transcript NM_001145809.2 (MANE Select); coding-DNA position 838, G replaced by A.
Protein change: p.Val280Ile; replaces valine 280 with isoleucine.
Molecular consequence: missense variant.
Genome position (GRCh38, 1-based): chr19:50,226,930, G>A. VCF-style: chr19-50226930-G-A. GRCh37 (hg19) VCF-style: chr19-50730187-G-A.
Other names: c.838G>A, p.Val280Ile (NM_001077186.2); c.814G>A, p.Val272Ile (NM_024729.4); short protein forms V272I, V280I.
Identifiers: ClinVar variation 546265 (VCV000546265.11), dbSNP rs202246093, ClinGen allele CA9592423.

ClinVar aggregate classification (germline): Conflicting classifications of pathogenicity. Review status: criteria provided, conflicting classifications (1 of 4 stars). 4 submissions from 4 submitters: Uncertain significance (2); Likely benign (2). Last evaluated 2025-11-21.

Conditions:
Autosomal dominant nonsyndromic hearing loss 4A. Also called: Deafness, autosomal dominant 4A. Identifiers: Orphanet 90635, MedGen C1833503, MONDO:0010915, OMIM 600652.

Allele frequency attached by ClinVar (database versions not stated): ExAC 0.00020; gnomAD 0.00025 and 0.00028; gnomAD exomes 0.00027 and 0.00045; TOPMed 0.00027; ESP Exome Variant Server 0.00031.
gnomAD v4.1: 688 of 1,613,700 alleles (0.043%); highest among the groups gnomAD compares: Non-Finnish European, 0.053%; no homozygotes.

Submissions (4):

Labcorp Genetics (formerly Invitae), Labcorp
Classification: Uncertain significance. Last evaluated: 2025-11-21. Review status: criteria provided, single submitter. Criteria: Invitae Variant Classification Sherloc (09022015). Collection method: clinical testing. Allele origin: germline.
Comment: This sequence change replaces valine, which is neutral and non-polar, with isoleucine, which is neutral and non-polar, at codon 272 of the MYH14 protein (p.Val272Ile). This variant is present in population databases (rs202246093, gnomAD 0.05%), and has an allele count higher than expected for a pathogenic variant. This variant has not been reported in the literature in individuals affected with MYH14-related conditions. ClinVar contains an entry for this variant (Variation ID: 546265). Invitae Evidence Modeling of protein sequence and biophysical properties (such as structural, functional, and spatial information, amino acid conservation, physicochemical variation, residue mobility, and thermodynamic stability) indicates that this missense variant is not expected to disrupt MYH14 protein function with a negative predictive value of 80%. In summary, the available evidence is currently insufficient to determine the role of this variant in disease. Therefore, it has been classified as a Variant of Uncertain Significance.

Blueprint Genetics
Classification: Likely benign. Last evaluated: 2024-10-09. Review status: criteria provided, single submitter. Criteria: ACMG Guidelines, 2015. Collection method: clinical testing. Allele origin: germline.

GeneDx
Classification: Likely benign. Last evaluated: 2019-08-06. Review status: criteria provided, single submitter. Criteria: GeneDx Variant Classification Process June 2021. Collection method: clinical testing. Allele origin: germline. Affected: yes.
Comment: In silico analysis, which includes protein predictors and evolutionary conservation, supports that this variant does not alter protein structure/function; Has not been previously published as pathogenic or benign to our knowledge

Illumina Laboratory Services, Illumina
Classification: Uncertain significance for Autosomal dominant nonsyndromic hearing loss 4A. Last evaluated: 2018-01-13. Review status: criteria provided, single submitter. Criteria: ICSL Variant Classification Criteria 13 December 2019. Collection method: clinical testing. Allele origin: germline.